The following is an entry in ClinVar:

NM_000334.4(SCN4A):c.985A>G (p.Ser329Gly)

Gene: SCN4A (sodium voltage-gated channel alpha subunit 4; minus strand). Cytogenetic location: 17q23.3.
Variant type: single nucleotide variant.
Coding change: c.985A>G on transcript NM_000334.4 (MANE Select); coding-DNA position 985, A replaced by G.
Protein change: p.Ser329Gly; replaces serine 329 with glycine.
Molecular consequence: missense variant.
Genome position (GRCh38, 1-based): chr17:63,968,074, T>C on the plus strand (A>G on the coding strand, the complement: SCN4A is on the minus strand). VCF-style: chr17-63968074-T-C. GRCh37 (hg19) VCF-style: chr17-62045434-T-C.
Other names: short protein forms S329G.
Identifiers: ClinVar variation 1719535 (VCV001719535.6), dbSNP rs2509320229, ClinGen allele CA400637259.

ClinVar aggregate classification (germline): Uncertain significance (1 of 4 stars; one submission).

Conditions:
Hyperkalemic periodic paralysis. Also called: Familial hyperkalemic periodic paralysis; Gamstorp disease. Identifiers: Orphanet 682, MedGen C0238357, MONDO:0008224, OMIM 170500, HP:0007215.

Allele frequency attached by ClinVar (database versions not stated): gnomAD exomes below 0.00001.
gnomAD v4.1: 1 of 1,614,016 alleles (0.000062%); highest among the groups gnomAD compares: Non-Finnish European, 0.000085%; no homozygotes.

Submission:

Labcorp Genetics (formerly Invitae), Labcorp
Classification: Uncertain significance for Hyperkalemic periodic paralysis. Last evaluated: 2024-10-28. Review status: criteria provided, single submitter. Criteria: Invitae Variant Classification Sherloc (09022015). Collection method: clinical testing. Allele origin: germline.
Comment: This sequence change replaces serine, which is neutral and polar, with glycine, which is neutral and non-polar, at codon 329 of the SCN4A protein (p.Ser329Gly). This variant is not present in population databases (gnomAD no frequency). This variant has not been reported in the literature in individuals affected with SCN4A-related conditions. ClinVar contains an entry for this variant (Variation ID: 1719535). Invitae Evidence Modeling of protein sequence and biophysical properties (such as structural, functional, and spatial information, amino acid conservation, physicochemical variation, residue mobility, and thermodynamic stability) indicates that this missense variant is not expected to disrupt SCN4A protein function with a negative predictive value of 95%. In summary, the available evidence is currently insufficient to determine the role of this variant in disease. Therefore, it has been classified as a Variant of Uncertain Significance.